The following is an entry in ClinVar:

NM_001379200.1(TBX1):c.152_232del (p.Glu51_His77del)

Gene: TBX1 (T-box transcription factor 1; plus strand). Cytogenetic location: 22q11.21.
Variant type: Deletion.
Coding change: c.152_232del on transcript NM_001379200.1 (MANE Select); coding-DNA positions 152 to 232, 81 bases deleted.
Protein change: p.Glu51_His77del.
Molecular consequence: inframe deletion.
Genome position (GRCh38, 1-based): chr22:19,760,995-19,761,075, 81 bases deleted. GRCh37 (hg19): chr22:19,748,518-19,748,598.
Other names: c.125_205del, p.Glu42_His68del (NM_005992.1, NM_080646.2, NM_080647.1); c.125_205del81 (NM_080647.1).
Identifiers: ClinVar variation 636939 (VCV000636939.15), dbSNP rs1601282938, ClinGen allele CA915952578.

ClinVar aggregate classification (germline): Uncertain significance. Review status: criteria provided, multiple submitters, no conflicts (2 of 4 stars). 4 submissions from 4 submitters: Uncertain significance (3). 1 of the submissions does not count toward it. Last evaluated 2025-02-25.

Conditions:
Tetralogy of Fallot (TOF). Identifiers: Orphanet 3303, MedGen C0039685, MONDO:0008542, OMIM 187500, HP:0001636.
DiGeorge syndrome. Also called: Catch22; THIRD AND FOURTH PHARYNGEAL POUCH SYNDROME. Identifiers: Orphanet 567, MedGen C0012236, MONDO:0008564, OMIM 188400.
Conotruncal heart malformations (CTHM). Also called: Conotruncal heart malformations, variable. Identifiers: Orphanet 2445, Orphanet 3384, Orphanet 3426, MedGen C1857586, MONDO:0016581, OMIM 217095.
Velocardiofacial syndrome (VCFS). Also called: Shprintzen syndrome; SHPRINTZEN VCF SYNDROME; VCF SYNDROME. Identifiers: Orphanet 567, MedGen C0220704, MONDO:0008644, OMIM 192430. Disease mechanism: loss of function.
TBX1-related disorder. Also called: TBX1-related condition; TBX1-Related Disorders.

Submissions (4):

Labcorp Genetics (formerly Invitae), Labcorp
Classification: Uncertain significance for DiGeorge syndrome. Last evaluated: 2025-02-25. Review status: criteria provided, single submitter. Criteria: Invitae Variant Classification Sherloc (09022015). Collection method: clinical testing. Allele origin: germline.
Comment: This variant, c.125_205del, results in the deletion of 27 amino acid(s) of the TBX1 protein (p.Glu42_His68del), but otherwise preserves the integrity of the reading frame. The frequency data for this variant in the population databases is considered unreliable, as metrics indicate insufficient coverage at this position in the gnomAD database. This variant has not been reported in the literature in individuals affected with TBX1-related conditions. ClinVar contains an entry for this variant (Variation ID: 636939). Experimental studies and prediction algorithms are not available or were not evaluated, and the functional significance of this variant is currently unknown. In summary, the available evidence is currently insufficient to determine the role of this variant in disease. Therefore, it has been classified as a Variant of Uncertain Significance.

Blueprint Genetics
Classification: Uncertain significance. Last evaluated: 2024-10-29. Review status: criteria provided, single submitter. Criteria: ACMG Guidelines, 2015. Collection method: clinical testing. Allele origin: germline.

Fulgent Genetics
Classification: Uncertain significance for Tetralogy of Fallot; DiGeorge syndrome; Velocardiofacial syndrome; Conotruncal heart malformations. Last evaluated: 2024-01-03. Review status: criteria provided, single submitter. Criteria: ACMG Guidelines, 2015. Collection method: clinical testing. Allele origin: germline.

PreventionGenetics, part of Exact Sciences
Classification: Uncertain significance for TBX1-related condition. Last evaluated: 2024-01-30. Review status: no assertion criteria provided. Collection method: clinical testing. Allele origin: germline. Not counted in ClinVar's aggregate classification.
Comment: The TBX1 c.125_205del81 variant is predicted to result in an in-frame deletion (p.Glu42_His68del). To our knowledge, this variant has not been reported in the literature or in a large population database, indicating this variant is rare. At this time, the clinical significance of this variant is uncertain due to the absence of conclusive functional and genetic evidence.